The following is an entry in ClinVar:

ClinVar aggregate classification (germline): Pathogenic/Likely pathogenic. Review status: criteria provided, multiple submitters, no conflicts (2 of 4 stars). 3 submissions from 3 submitters: Pathogenic (2); Likely pathogenic (1). Last evaluated 2025-08-01.

Conditions:
Amyotrophic lateral sclerosis type 1 (ALS1). Also called: AMYOTROPHIC LATERAL SCLEROSIS 1, FAMILIAL. Identifiers: Orphanet 803, MedGen C1862939, MONDO:0007103, OMIM 105400.

Allele frequency attached by ClinVar (database versions not stated): gnomAD 0.00001; gnomAD exomes 0.00001.
gnomAD v4.1: 9 of 1,613,954 alleles (0.00056%); highest among the groups gnomAD compares: Non-Finnish European, 0.00017%; no homozygotes.

Submissions (3):

CeGaT Center for Human Genetics Tuebingen
Classification: Pathogenic. Last evaluated: 2025-08-01. Review status: criteria provided, single submitter. Criteria: CeGaT Center For Human Genetics Tuebingen Variant Classification Criteria Version 2. Collection method: clinical testing. Allele origin: germline. Affected: yes. Observed: 1 variant allele.
Comment: SOD1: PS4, PM1, PM5, PM2:Supporting, PS3:Supporting

Labcorp Genetics (formerly Invitae), Labcorp
Classification: Pathogenic for Amyotrophic lateral sclerosis type 1. Last evaluated: 2024-01-30. Review status: criteria provided, single submitter. Criteria: Invitae Variant Classification Sherloc (09022015). Collection method: clinical testing. Allele origin: germline.
Comment: This sequence change replaces alanine, which is neutral and non-polar, with valine, which is neutral and non-polar, at codon 90 of the SOD1 protein (p.Ala90Val). This variant is present in population databases (no rsID available, gnomAD 0.004%). This missense change has been observed in individual(s) with autosomal dominant amyotrophic lateral sclerosis (PMID: 13129803, 31086828). It has also been observed to segregate with disease in related individuals. This variant is also known as A89V. ClinVar contains an entry for this variant (Variation ID: 1191297). Advanced modeling of protein sequence and biophysical properties (such as structural, functional, and spatial information, amino acid conservation, physicochemical variation, residue mobility, and thermodynamic stability) performed at Invitae indicates that this missense variant is expected to disrupt SOD1 protein function with a positive predictive value of 95%. Experimental studies have shown that this missense change affects SOD1 function (PMID: 23280792). This variant disrupts the p.Ala90 amino acid residue in SOD1. Other variant(s) that disrupt this residue have been determined to be pathogenic (PMID: 14506936, 23280792; Invitae). This suggests that this residue is clinically significant, and that variants that disrupt this residue are likely to be disease-causing. For these reasons, this variant has been classified as Pathogenic.

GeneDx
Classification: Likely pathogenic. Last evaluated: 2021-12-13. Review status: criteria provided, single submitter. Criteria: GeneDx Variant Classification Process June 2021. Collection method: clinical testing. Allele origin: germline. Affected: yes.
Comment: In silico analysis supports that this missense variant has a deleterious effect on protein structure/function; This variant is associated with the following publications: (PMID: 16291929, 23280792, 18309045, 23447461, 13129803, 11408340, 14506936, 31086828, 34668453)

Literature cited by the submitters: PubMed 13129803 (cited by Labcorp Genetics (formerly Invitae), Labcorp); PubMed 31086828 (cited by Labcorp Genetics (formerly Invitae), Labcorp); PubMed 23280792 (cited by Labcorp Genetics (formerly Invitae), Labcorp); PubMed 14506936 (cited by Labcorp Genetics (formerly Invitae), Labcorp).

NM_000454.5(SOD1):c.269C>T (p.Ala90Val)

Gene: SOD1 (superoxide dismutase 1; plus strand). Cytogenetic location: 21q22.11.
Variant type: single nucleotide variant.
Coding change: c.269C>T on transcript NM_000454.5 (MANE Select); coding-DNA position 269, C replaced by T.
Protein change: p.Ala90Val; replaces alanine 90 with valine.
Molecular consequence: missense variant.
Genome position (GRCh38, 1-based): chr21:31,667,287, C>T. VCF-style: chr21-31667287-C-T. GRCh37 (hg19) VCF-style: chr21-33039600-C-T.
Other names: short protein forms A90V.
Identifiers: ClinVar variation 1191297 (VCV001191297.17), dbSNP rs1280042397, ClinGen allele CA410037432.